The following is an entry in ClinVar:

ClinVar aggregate classification (germline): Likely benign. Review status: criteria provided, multiple submitters, no conflicts (2 of 4 stars). 6 submissions from 5 submitters: Likely benign (5). 1 of the submissions does not count toward it. Last evaluated 2026-01-24.

Conditions:
ATR-related disorder. Also called: ATR-related condition.
Inborn genetic diseases. Identifiers: MedGen C0950123, MeSH D030342.
Familial cutaneous telangiectasia and oropharyngeal predisposition cancer syndrome. Identifiers: Orphanet 313846, MedGen C3281203, MONDO:0013806, OMIM 614564.
Seckel syndrome 1 (SCKL1). Also called: MICROCEPHALIC PRIMORDIAL DWARFISM I. Identifiers: Orphanet 808, MedGen C4551474, MONDO:0008869, OMIM 210600.

Allele frequency attached by ClinVar (database versions not stated): gnomAD exomes below 0.00001; gnomAD 0.00001; TOPMed 0.00001.
gnomAD v4.1: 15 of 1,613,670 alleles (0.00093%); highest among the groups gnomAD compares: East Asian, 0.0022%; 1 homozygote.

Submissions (6):

Labcorp Genetics (formerly Invitae), Labcorp
Classification: Likely benign. Last evaluated: 2026-01-24. Review status: criteria provided, single submitter. Criteria: Invitae Variant Classification Sherloc (09022015). Collection method: clinical testing. Allele origin: germline.

Genome-Nilou Lab
Classification: Likely benign for Seckel syndrome 1. Last evaluated: 2023-02-08. Review status: criteria provided, single submitter. Criteria: ACMG Guidelines, 2015. Collection method: clinical testing. Allele origin: germline.

Genome-Nilou Lab
Classification: Likely benign for Familial cutaneous telangiectasia and oropharyngeal predisposition cancer syndrome. Last evaluated: 2023-02-08. Review status: criteria provided, single submitter. Criteria: ACMG Guidelines, 2015. Collection method: clinical testing. Allele origin: germline.

Blueprint Genetics
Classification: Likely benign. Last evaluated: 2022-09-15. Review status: criteria provided, single submitter. Criteria: ACMG Guidelines, 2015. Collection method: clinical testing. Allele origin: germline.

Ambry Genetics
Classification: Likely benign for Inborn genetic diseases. Last evaluated: 2022-03-23. Review status: criteria provided, single submitter. Criteria: Ambry Variant Classification Scheme 2023. Collection method: clinical testing. Allele origin: germline.

PreventionGenetics, part of Exact Sciences
Classification: Likely benign for ATR-related condition. Last evaluated: 2024-07-03. Review status: no assertion criteria provided. Collection method: clinical testing. Allele origin: germline. Not counted in ClinVar's aggregate classification.
Comment: This variant is classified as likely benign based on ACMG/AMP sequence variant interpretation guidelines (Richards et al. 2015 PMID: 25741868, with internal and published modifications).

NM_001184.4(ATR):c.5562G>A (p.Leu1854=)

Gene: ATR (ATR checkpoint kinase; minus strand). Cytogenetic location: 3q23.
Variant type: single nucleotide variant.
Coding change: c.5562G>A on transcript NM_001184.4 (MANE Select); coding-DNA position 5562, G replaced by A.
Protein change: p.Leu1854=; no amino-acid change (leucine 1854 retained).
Molecular consequence: synonymous variant.
Genome position (GRCh38, 1-based): chr3:142,497,189, C>T on the plus strand (G>A on the coding strand, the complement: ATR is on the minus strand). VCF-style: chr3-142497189-C-T. GRCh37 (hg19) VCF-style: chr3-142216031-C-T.
Other names: c.5370G>A, p.Leu1790= (NM_001354579.2).
Identifiers: ClinVar variation 1154267 (VCV001154267.14), dbSNP rs2031699549, ClinGen allele CA436130114.